The following is an entry in ClinVar:

ClinVar aggregate classification (germline): Pathogenic. Review status: criteria provided, multiple submitters, no conflicts (2 of 4 stars). 7 submissions from 7 submitters: Pathogenic (6). 1 of the submissions does not count toward it. Last evaluated 2026-07-30.

Conditions:
BBS7-related disorder. Also called: BBS7-related condition.
Inborn genetic diseases. Identifiers: MedGen C0950123, MeSH D030342.
Bardet-Biedl syndrome (BBS). Identifiers: Orphanet 110, MedGen C0752166, MONDO:0015229.
Bardet-Biedl syndrome 7 (BBS7). Identifiers: Orphanet 110, MedGen C1859565, MONDO:0014435, OMIM 615984.

Submissions (7):

PreventionGenetics, part of Exact Sciences
Classification: Pathogenic for BBS7-related condition. Last evaluated: 2026-07-30. Review status: criteria provided, single submitter. Criteria: ACMG Guidelines, 2015. Collection method: clinical testing. Allele origin: germline.
Comment: The BBS7 c.389_390delAC variant is predicted to result in a frameshift and premature protein termination (p.Asn130Thrfs*4). This variant has been reported in the homozygous state in individuals with Bardet-Biedl syndrome (Mary et al. 2019. PubMed ID: 30614526, Shen et al. 2019. PubMed ID: 30839500). At PreventionGenetics, we have detected this variant in the homozygous state in several patients with Bardet-Biedl syndrome (internal data). This variant has not been reported in a large population database (gnomAD), indicating this variant is rare. Frameshift variants in BBS7 are expected to be pathogenic. This variant is interpreted as pathogenic.

Labcorp Genetics (formerly Invitae), Labcorp
Classification: Pathogenic for Bardet-Biedl syndrome. Last evaluated: 2025-09-29. Review status: criteria provided, single submitter. Criteria: Invitae Variant Classification Sherloc (09022015). Collection method: clinical testing. Allele origin: germline.
Comment: This sequence change creates a premature translational stop signal (p.Asn130Thrfs*4) in the BBS7 gene. It is expected to result in an absent or disrupted protein product. Loss-of-function variants in BBS7 are known to be pathogenic (PMID: 12567324, 19402160, 21209035, 31196119). This variant is not present in population databases (gnomAD no frequency). This premature translational stop signal has been observed in individuals with BBS7-related disease (internal data). ClinVar contains an entry for this variant (Variation ID: 216138). Algorithms developed to predict the effect of sequence changes on RNA splicing suggest that this variant may disrupt the consensus splice site. For these reasons, this variant has been classified as Pathogenic.

GeneDx
Classification: Pathogenic. Last evaluated: 2024-09-06. Review status: criteria provided, single submitter. Criteria: GeneDx Variant Classification Process June 2021. Collection method: clinical testing. Allele origin: germline. Affected: yes.
Comment: Frameshift variant predicted to result in protein truncation or nonsense mediated decay in a gene for which loss of function is a known mechanism of disease; Not observed at significant frequency in large population cohorts (gnomAD); This variant is associated with the following publications: (PMID: 30839500, 35112343, 36672825, 30614526)

Ambry Genetics
Classification: Pathogenic for Inborn genetic diseases. Last evaluated: 2024-05-15. Review status: criteria provided, single submitter. Criteria: Ambry Variant Classification Scheme 2023. Collection method: clinical testing. Allele origin: germline.
Comment: The c.389_390delAC (p.N130Tfs*4) alteration, located in exon 5 (coding exon 5) of the BBS7 gene, consists of a deletion of 2 nucleotides from position 389 to 390, causing a translational frameshift with a predicted alternate stop codon after 4 amino acids. This alteration is expected to result in loss of function by premature protein truncation or nonsense-mediated mRNA decay. This variant was not reported in population-based cohorts in the Genome Aggregation Database (gnomAD). This variant has been detected homozygous in individuals with clinical features consistent with BBS7-related Bardet-Biedl syndrome, such as polydactyly, obesity, strabismus, and developmental delay (Stevens, 2018; Shen, 2019). Based on the available evidence, this alteration is classified as pathogenic.

Fulgent Genetics
Classification: Pathogenic for Bardet-Biedl syndrome 7. Last evaluated: 2021-12-03. Review status: criteria provided, single submitter. Criteria: ACMG Guidelines, 2015. Collection method: clinical testing. Allele origin: unknown.

Molecular Diagnostics Laboratory, M Health Fairview: University of Minnesota
Classification: Pathogenic for Bardet-Biedl syndrome 7. Last evaluated: 2016-06-29. Review status: criteria provided, single submitter. Criteria: ACMG Guidelines, 2015. Collection method: clinical testing. Allele origin: germline. Affected: yes. Observed: 1 variant allele.

Laboratory of Medical Genetics (UMR_S 1112), INSERM/Strasbourg University
Classification: Pathogenic for Bardet-Biedl syndrome. Last evaluated: 2018-09-15. Review status: no assertion criteria provided. Collection method: provider interpretation. Allele origin: germline. Affected: yes. Study: French fetal BBS cohort. Not counted in ClinVar's aggregate classification.

Literature cited by the submitters: PubMed 12567324 (cited by Labcorp Genetics (formerly Invitae), Labcorp); PubMed 19402160 (cited by Labcorp Genetics (formerly Invitae), Labcorp); PubMed 21209035 (cited by Labcorp Genetics (formerly Invitae), Labcorp); PubMed 31196119 (cited by Labcorp Genetics (formerly Invitae), Labcorp); PubMed 29696775 (cited by Ambry Genetics); PubMed 30839500 (cited by Ambry Genetics); PubMed 30614526 (cited by Laboratory of Medical Genetics (UMR_S 1112), INSERM/Strasbourg University).

NM_176824.3(BBS7):c.389_390del (p.Asn130fs)

Gene: BBS7 (Bardet-Biedl syndrome 7; minus strand). Cytogenetic location: 4q27.
Variant type: Deletion.
Coding change: c.389_390del on transcript NM_176824.3 (MANE Select); coding-DNA positions 389 to 390, 2 bases deleted (AC; older notation c.389_390delAC).
Protein change: p.Asn130fs; shifts the reading frame from asparagine 130.
Molecular consequence: frameshift variant.
Genome position (GRCh38, 1-based): chr4:121,859,130-121,859,131, GT deleted on the plus strand (AC on the coding strand, the reverse complement: BBS7 is on the minus strand). VCF-style (leftmost placement, unchanged base first): chr4-121859129-GGT-G. GRCh37 (hg19) VCF-style: chr4-122780284-GGT-G.
Other names: c.389_390delAC (NM_176824.2); c.389_390del, p.Asn130fs (NM_018190.4); short protein forms N130fs.
Identifiers: ClinVar variation 216138 (VCV000216138.16), dbSNP rs863224530, ClinGen allele CA339158.